The following is an entry in ClinVar:

NM_000937.5(POLR2A):c.5440_5441del (p.Gln1814fs)

Gene: POLR2A (RNA polymerase II subunit A; plus strand). Cytogenetic location: 17p13.1.
Variant type: Microsatellite.
Coding change: c.5440_5441del on transcript NM_000937.5 (MANE Select); coding-DNA positions 5440 to 5441, 2 bases deleted (CA; older notation c.5440_5441delCA).
Protein change: p.Gln1814fs; shifts the reading frame from glutamine 1814.
Molecular consequence: frameshift variant.
Genome position (GRCh38, 1-based): chr17:7,513,704-7,513,705, CA deleted; deleting any 2 consecutive bases within chr17:7,513,702-7,513,705 gives the same sequence; the c. name uses the placement nearest the transcript's 3' end. VCF-style (leftmost placement, unchanged base first): chr17-7513701-CCA-C. GRCh37 (hg19) VCF-style: chr17-7417020-CCA-C.
Other names: c.5440_5441delCA (NM_000937.4); short protein forms Q1814fs.
Identifiers: ClinVar variation 873140 (VCV000873140.6), dbSNP rs778071890, ClinGen allele CA8350574.

ClinVar aggregate classification (germline): Uncertain significance. Review status: criteria provided, multiple submitters, no conflicts (2 of 4 stars). 3 submissions from 3 submitters: Uncertain significance (2). 1 of the submissions does not count toward it. Last evaluated 2022-06-02.

Conditions:
Neurodevelopmental disorder with hypotonia and variable intellectual and behavioral abnormalities. Identifiers: MedGen C5231423, MONDO:0032829, OMIM 618603.
Inborn genetic diseases. Identifiers: MedGen C0950123, MeSH D030342.

Submissions (3):

Blueprint Genetics
Classification: Uncertain significance. Last evaluated: 2022-06-02. Review status: criteria provided, single submitter. Criteria: ACMG Guidelines, 2015. Collection method: clinical testing. Allele origin: germline.

Ambry Genetics
Classification: Uncertain significance for Inborn genetic diseases. Last evaluated: 2020-04-03. Review status: criteria provided, single submitter. Criteria: Ambry Variant Classification Scheme 2023. Collection method: clinical testing. Allele origin: germline.
Comment: The alteration results in a premature stop codon: _x000D_ _x000D_ The c.5440_5441delCA (p.Q1814Vfs*99) alteration, located in coding exon 29 of the POLR2A gene, results from a deletion of 2 nucleotides from position 5440 to 5441, causing a translational frameshift with a predicted alternate stop codon after 99 amino acids. Frameshifts are typically deleterious in nature; however, this frameshift occurs at the 3' terminus of POLR2A, is not expected to trigger nonsense-mediated mRNA decay, and a truncated mutant protein could still be expressed (Maquat, 2004). This alteration impacts the last 157 amino acids of the protein and the exact functional impact of these altered amino acids is unknown at this time. The alteration is rare in population databases:_x000D_ _x000D_ Based on data from the Genome Aggregation Database (gnomAD), the c.5440_5441delCA alteration was observed in 0.0004% (1/251442) of total alleles studied. Based on insufficient or conflicting evidence, the clinical significance of this alteration remains unclear.

Human Genome Sequencing Center Clinical Lab, Baylor College of Medicine
Classification: Likely pathogenic for Neurodevelopmental disorder with hypotonia and variable intellectual and behavioral abnormalities. Last evaluated: 2020-05-08. Review status: no assertion criteria provided. Collection method: research. Allele origin: de novo. Affected: yes. Observed: 2 variant alleles. Not counted in ClinVar's aggregate classification.